The following is an entry in ClinVar:

ClinVar aggregate classification (germline): Uncertain significance (1 of 4 stars; one submission).

Conditions:
Leigh syndrome (NULS). Also called: Leigh's necrotizing encephalopathy; Leigh's disease; Leigh Syndrome (mtDNA deletion); Leigh Disease; Subacute necrotizing encephalopathy; Necrotizing encephalopathy infantile subacute of Leigh. Identifiers: Orphanet 506, MedGen C2931891, MONDO:0009723, OMIM 256000.

Submission:

Wong Mito Lab, Molecular and Human Genetics, Baylor College of Medicine
Classification: Uncertain significance for Leigh syndrome. Last evaluated: 2019-10-17. Review status: criteria provided, single submitter. Criteria: Modified ACMG Guidelines (Unpublished). Collection method: clinical testing. Allele origin: germline.
Comment: The NC_012920.1:m.11733T>C (YP_003024035.1:p.Leu325Ser) variant in MTND4 gene is interpretated to be a Uncertain Significance variant based on the modified ACMG guidelines (unpublished). This variant meets the following evidence codes: PP6

NC_012920.1(MT-ND4):m.11733T>C

Gene: MT-ND4 (mitochondrially encoded NADH dehydrogenase 4; plus strand).
Variant type: single nucleotide variant.
Genome position: chrM-11733-T-C.
Identifiers: ClinVar variation 693378 (VCV000693378.1), dbSNP rs1603223397, ClinGen allele CA414810833.